The following is an entry in ClinVar:

ClinVar aggregate classification (germline): Uncertain significance (1 of 4 stars; one submission).

Conditions:
Peutz-Jeghers syndrome (PJS). Also called: POLYPOSIS, HAMARTOMATOUS INTESTINAL; POLYPS-AND-SPOTS SYNDROME; Peutz-Jeghers polyposis; Periorificial lentiginosis syndrome. Identifiers: Orphanet 2869, MedGen C0031269, MeSH D010580, MONDO:0008280, OMIM 175200.

Submission:

Labcorp Genetics (formerly Invitae), Labcorp
Classification: Uncertain significance for Peutz-Jeghers syndrome. Last evaluated: 2020-03-04. Review status: criteria provided, single submitter. Criteria: Invitae Variant Classification Sherloc (09022015). Collection method: clinical testing. Allele origin: germline.
Comment: In summary, the available evidence is currently insufficient to determine the role of this variant in disease. Therefore, it has been classified as a Variant of Uncertain Significance. Algorithms developed to predict the effect of missense changes on protein structure and function are either unavailable or do not agree on the potential impact of this missense change (SIFT: "Tolerated"; PolyPhen-2: "Possibly Damaging"; Align-GVGD: "Class C0"). This variant has not been reported in the literature in individuals with STK11-related conditions. This variant is not present in population databases (ExAC no frequency). This sequence change replaces glutamine with histidine at codon 371 of the STK11 protein (p.Gln371His). The glutamine residue is highly conserved and there is a small physicochemical difference between glutamine and histidine.

NM_000455.5(STK11):c.1113G>C (p.Gln371His)

Gene: STK11 (serine/threonine kinase 11; plus strand). Cytogenetic location: 19p13.3.
Variant type: single nucleotide variant.
Coding change: c.1113G>C on transcript NM_000455.5 (MANE Select); coding-DNA position 1113, G replaced by C.
Protein change: p.Gln371His; replaces glutamine 371 with histidine.
Molecular consequence: missense variant.
Genome position (GRCh38, 1-based): chr19:1,226,458, G>C. VCF-style: chr19-1226458-G-C. GRCh37 (hg19) VCF-style: chr19-1226457-G-C.
Other names: short protein forms Q371H.
Identifiers: ClinVar variation 1061144 (VCV001061144.9), dbSNP rs587780714, ClinGen allele CA402953119.
Genomic context (GRCh38, chr19:1,226,458, plus strand): 5'-TGTGGCTCTGGGGTTGCGCCCCTCAGCTCAGGCCACACTTGCCGTCTCCCTCCCAGGACA[G>C]GTCCCAGAAGAGGAGGCCAGTCACAATGGACAGCGCCGGGGCCTCCCCAAGGCCGTGTGT-3'
Protein context (NP_000446.1, residues 361-381): IYTQDFTVPG[Gln371His]VPEEEASHNG